The following is an entry in ClinVar:

ClinVar aggregate classification (germline): Likely benign. Review status: criteria provided, multiple submitters, no conflicts (2 of 4 stars). 2 submissions from 2 submitters: Likely benign (2). Last evaluated 2024-01-25.

Allele frequency attached by ClinVar (database versions not stated): TOPMed 0.00022; ESP Exome Variant Server 0.00023; 1000 Genomes Project 0.00060; 1000 Genomes Project 30x 0.00078.
gnomAD v4.1: 69 of 1,611,664 alleles (0.0043%); highest among the groups gnomAD compares: African/African-American, 0.056%; no homozygotes.

Submissions (2):

Labcorp Genetics (formerly Invitae), Labcorp
Classification: Likely benign. Last evaluated: 2024-01-25. Review status: criteria provided, single submitter. Criteria: Invitae Variant Classification Sherloc (09022015). Collection method: clinical testing. Allele origin: germline.

GeneDx
Classification: Likely benign. Last evaluated: 2017-05-22. Review status: criteria provided, single submitter. Criteria: GeneDx Variant Classification (06012015). Collection method: clinical testing. Allele origin: germline. Affected: yes.
Comment: This variant is considered likely benign or benign based on one or more of the following criteria: it is a conservative change, it occurs at a poorly conserved position in the protein, it is predicted to be benign by multiple in silico algorithms, and/or has population frequency not consistent with disease.

NM_001128159.3(VPS53):c.688-16A>G

Gene: VPS53 (VPS53 subunit of GARP complex; minus strand). Cytogenetic location: 17p13.3.
Variant type: single nucleotide variant.
Coding change: c.688-16A>G on transcript NM_001128159.3 (MANE Select); 16 bases into the intron before coding-DNA position 688, A replaced by G.
Molecular consequence: intron variant.
Genome position (GRCh38, 1-based): chr17:628,247, T>C on the plus strand (A>G on the coding strand, the complement: VPS53 is on the minus strand). VCF-style: chr17-628247-T-C. GRCh37 (hg19) VCF-style: chr17-531487-T-C.
Other names: c.601-16A>G (NM_018289.4); c.688-16A>G (NM_001366253.2); c.94-16A>G (NM_001366254.2).
Identifiers: ClinVar variation 509489 (VCV000509489.4), dbSNP rs369442933, ClinGen allele CA8261660.